The following is an entry in ClinVar:

ClinVar aggregate classification (germline): Conflicting classifications of pathogenicity. Review status: criteria provided, conflicting classifications (1 of 4 stars). 7 submissions from 7 submitters: Pathogenic (3); Likely pathogenic (1); Uncertain significance (1). 2 of the submissions do not count toward it. Last evaluated 2025-03-04.

Conditions:
Hearing loss, autosomal recessive 57. Also called: DEAFNESS, AUTOSOMAL RECESSIVE 57. Identifiers: MedGen C4693893, MONDO:0033201, OMIM 618003.
PDZD7-related disorder. Also called: PDZD7-related disorders; PDZD7-related condition.
Hearing impairment. Also called: Impaired Hearing. Identifiers: MedGen C1384666, MONDO:0005365, HP:0000365.

Submissions (7):

Labcorp Genetics (formerly Invitae), Labcorp
Classification: Pathogenic. Last evaluated: 2025-03-04. Review status: criteria provided, single submitter. Criteria: Invitae Variant Classification Sherloc (09022015). Collection method: clinical testing. Allele origin: germline.
Comment: This variant, c.2675_2677del, results in the deletion of 1 amino acid(s) of the PDZD7 protein (p.Lys892del), but otherwise preserves the integrity of the reading frame. This variant is present in population databases (rs397516636, gnomAD 0.02%). This variant has been observed in individual(s) with congenital sensorineural hearing loss (PMID: 34387732). In at least one individual the data is consistent with being in trans (on the opposite chromosome) from a pathogenic variant. ClinVar contains an entry for this variant (Variation ID: 44131). For these reasons, this variant has been classified as Pathogenic.

GeneDx
Classification: Likely pathogenic. Last evaluated: 2024-12-17. Review status: criteria provided, single submitter. Criteria: GeneDx Variant Classification Process June 2021. Collection method: clinical testing. Allele origin: germline. Affected: yes.
Comment: In-frame deletion of 1 amino acid in a non-repeat region; In silico analysis does not support a benign or deleterious effect of this variant on protein structure/function; This variant is associated with the following publications: (PMID: 20440071, 36786328, 34387732)

Blueprint Genetics
Classification: Pathogenic for PDZD7-related disorders. Last evaluated: 2024-11-05. Review status: criteria provided, single submitter. Criteria: ACMG Guidelines, 2015. Collection method: clinical testing. Allele origin: germline. Affected: yes. Observed: 5 variant alleles.

Cambridge Genomics Laboratory, East Genomic Laboratory Hub, NHS Genomic Medicine Service
Classification: Pathogenic for Hearing impairment. Last evaluated: 2020-05-29. Review status: criteria provided, single submitter. Criteria: ACGS Best Practice Guidelines for Variant Classification in Rare Disease 2020. Collection method: clinical testing. Allele origin: germline. Affected: yes. Observed: 1 variant allele.

Laboratory for Molecular Medicine, Mass General Brigham Personalized Medicine
Classification: Uncertain significance. Last evaluated: 2013-01-14. Review status: criteria provided, single submitter. Criteria: LMM Criteria. Collection method: clinical testing. Allele origin: germline. Observed: 1 variant allele.
Comment: Variant classified as Uncertain Significance - Favor Benign. The Lys892del in PD ZD7 has not been reported in the literature nor previously identified by our lab oratory. This variant results in an in-frame single amino acid deletion in exon 16 which is only present in an alternate longer transcript of PDZD7, with the ma jor transcript only encoding 10 exons. Furthermore, there is inconclusive eviden ce as to the role of the PDZD7 gene in hearing loss or Usher syndrome. No bialle lic mutations have been found in Usher patients to date despite screening in 205 cases (Ebermann 2010, Besnard 2012). Instead, there is one case report suggesti ng PDZD7 may be a modifier of the severity of Usher syndrome (Ebermann 2010). In addition, there is a second case report suggesting PDZD7 could cause nonsyndrom ic hearing loss based upon a patient with a homozygous translocation that disrup ts the long alternate isoform of PDZD7 (Schneider 2009). In summary, additiona l data is needed to determine the clinical significance of this variant; however , based upon the uncertain role of PDZD7 in hearing loss and Usher syndrome and the presence of an alternate cause of hearing loss in this patient, we would lea n towards a more likely benign role.

PreventionGenetics, part of Exact Sciences
Classification: Uncertain significance for PDZD7-related condition. Last evaluated: 2024-03-07. Review status: no assertion criteria provided. Collection method: clinical testing. Allele origin: germline. Not counted in ClinVar's aggregate classification.
Comment: The PDZD7 c.2675_2677delAGA variant is predicted to result in an in-frame deletion (p.Lys892del). This variant was reported in the homozygous or compound heterozygous states along with a premature termination variant in three individuals with hearing loss from two families (Cruz Marino et al. 2022. PubMed ID: 34387732). This variant is reported in 0.016% of alleles in individuals of African descent in gnomAD. Although we suspect that this variant may be pathogenic, at this time, the clinical significance of this variant is uncertain due to the absence of conclusive functional and genetic evidence.

Service de Biologie Medicale, CIUSSS du Saguenay-Lac-Saint-Jean
Classification: Likely pathogenic for Hearing loss, autosomal recessive 57. Last evaluated: 2019-12-01. Review status: no assertion criteria provided. Collection method: clinical testing. Allele origin: inherited. Affected: yes. Observed: 8 variant alleles. Clinical features observed: Congenital hearing loss, bilateral hearing loss, sensorineural hearing loss, mild to severe hearing loss. Not counted in ClinVar's aggregate classification.
Comment: Observed in 8 individuals from 6 independant, non-consanguinous families. Observed in the homozygous state in 8 individuals from 6 families.

Literature cited by the submitters: PubMed 34387732 (cited by Labcorp Genetics (formerly Invitae), Labcorp); PubMed 20440071 (cited by Laboratory for Molecular Medicine, Mass General Brigham Personalized Medicine); DOI 10.1007/s00439-021-02332-w (cited by Service de Biologie Medicale, CIUSSS du Saguenay-Lac-Saint-Jean).

NM_001195263.2(PDZD7):c.2672AGA[1] (p.Lys892del)

Gene: PDZD7 (PDZ domain containing 7; minus strand). Cytogenetic location: 10q24.31.
Variant type: Microsatellite.
Coding change: c.2672AGA[1] on transcript NM_001195263.2 (MANE Select); one copy of the 3-base unit AGA starting at c.2672; the reference has two copies in a row; one copy, 3 bases deleted; also written c.2675_2677del.
Protein change: p.Lys892del; deletes lysine 892.
Molecular consequence: inframe deletion.
Genome position (GRCh38, 1-based): chr10:101,009,291-101,009,293, TCT deleted on the plus strand (AGA on the coding strand, the reverse complement: PDZD7 is on the minus strand); deleting any 3 consecutive bases within chr10:101,009,291-101,009,296 gives the same sequence; the position shown is the placement nearest the transcript's 3' end. VCF-style (leftmost placement, unchanged base first): chr10-101009290-ATCT-A. GRCh37 (hg19) VCF-style: chr10-102769047-ATCT-A.
Other names: c.2675_2677del (NM_001195263.1); short protein forms K892del.
Identifiers: ClinVar variation 44131 (VCV000044131.15), dbSNP rs397516636, ClinGen allele CA133639.